The following is an entry in ClinVar:

ClinVar aggregate classification (germline): Uncertain significance (1 of 4 stars; one submission).

Submission:

Labcorp Genetics (formerly Invitae), Labcorp
Classification: Uncertain significance. Last evaluated: 2024-03-07. Review status: criteria provided, single submitter. Criteria: Invitae Variant Classification Sherloc (09022015). Collection method: clinical testing. Allele origin: germline.
Comment: This sequence change replaces tryptophan, which is neutral and slightly polar, with arginine, which is basic and polar, at codon 2553 of the USH2A protein (p.Trp2553Arg). This variant is not present in population databases (gnomAD no frequency). This variant has not been reported in the literature in individuals affected with USH2A-related conditions. Advanced modeling of protein sequence and biophysical properties (such as structural, functional, and spatial information, amino acid conservation, physicochemical variation, residue mobility, and thermodynamic stability) performed at Invitae indicates that this missense variant is expected to disrupt USH2A protein function with a positive predictive value of 95%. In summary, the available evidence is currently insufficient to determine the role of this variant in disease. Therefore, it has been classified as a Variant of Uncertain Significance.

NM_206933.4(USH2A):c.7657T>A (p.Trp2553Arg)

Gene: USH2A (usherin; minus strand). Cytogenetic location: 1q41.
Variant type: single nucleotide variant.
Coding change: c.7657T>A on transcript NM_206933.4 (MANE Select); coding-DNA position 7657, T replaced by A.
Protein change: p.Trp2553Arg; replaces tryptophan 2553 with arginine.
Molecular consequence: missense variant.
Genome position (GRCh38, 1-based): chr1:215,888,992, A>T on the plus strand (T>A on the coding strand, the complement: USH2A is on the minus strand). VCF-style: chr1-215888992-A-T. GRCh37 (hg19) VCF-style: chr1-216062334-A-T.
Other names: short protein forms W2553R.
Identifiers: ClinVar variation 3633754 (VCV003633754.2).
Genomic context (GRCh38, chr1:215,888,992, plus strand): 5'-GGCCATGTAGATAAATGTTATAATGGGTAATAACCCCATTGGATTTTCTAGGATGCTGCC[A>T]GGTGACCAACATCATTCTTGACTTCACATCCAGAAGAATCGGAGGAACTACAGGTCCAGG-3'
Protein context (NP_996816.3, residues 2543-2563): DVKSRMMLVT[Trp2553Arg]QHPRKSNGVI